The following is an entry in ClinVar:

NM_004341.5(CAD):c.110C>T (p.Pro37Leu)

Gene: CAD (carbamoyl-phosphate synthetase 2, aspartate transcarbamylase, and dihydroorotase; plus strand). Cytogenetic location: 2p23.3.
Variant type: single nucleotide variant.
Coding change: c.110C>T on transcript NM_004341.5 (MANE Select); coding-DNA position 110, C replaced by T.
Protein change: p.Pro37Leu; replaces proline 37 with leucine.
Molecular consequence: missense variant.
Genome position (GRCh38, 1-based): chr2:27,217,904, C>T. VCF-style: chr2-27217904-C-T. GRCh37 (hg19) VCF-style: chr2-27440772-C-T.
Other names: c.110C>T, p.Pro37Leu (NM_001306079.2); short protein forms P37L.
Identifiers: ClinVar variation 1479905 (VCV001479905.8), dbSNP rs2148051128, ClinGen allele CA346196145.

ClinVar aggregate classification (germline): Uncertain significance (1 of 4 stars; one submission).

Submission:

Labcorp Genetics (formerly Invitae), Labcorp
Classification: Uncertain significance. Last evaluated: 2021-05-26. Review status: criteria provided, single submitter. Criteria: Invitae Variant Classification Sherloc (09022015). Collection method: clinical testing. Allele origin: germline.
Comment: This variant is not present in population databases (ExAC no frequency). In summary, the available evidence is currently insufficient to determine the role of this variant in disease. Therefore, it has been classified as a Variant of Uncertain Significance. Algorithms developed to predict the effect of missense changes on protein structure and function are either unavailable or do not agree on the potential impact of this missense change (SIFT: "Tolerated"; PolyPhen-2: "Possibly Damaging"; Align-GVGD: "Class C0"). This variant has not been reported in the literature in individuals with CAD-related conditions. This sequence change replaces proline with leucine at codon 37 of the CAD protein (p.Pro37Leu). The proline residue is moderately conserved and there is a moderate physicochemical difference between proline and leucine.